The following is an entry in ClinVar:

ClinVar aggregate classification (germline): Uncertain significance (1 of 4 stars; one submission).

Conditions:
Developmental and epileptic encephalopathy, 9 (DEE9). Also called: Early infantile epileptic encephalopathy 9; EPILEPSY, FEMALE-RESTRICTED, WITH MENTAL RETARDATION; JUBERG-HELLMAN SYNDROME; PCDH19-Related X-Linked Female-Limited Epilepsy with Mental Retardation. Identifiers: Orphanet 101039, Orphanet 2076, MedGen C1848137, MONDO:0010246, OMIM 300088. Disease mechanism: loss of function.

Submission:

Labcorp Genetics (formerly Invitae), Labcorp
Classification: Uncertain significance for Developmental and epileptic encephalopathy, 9. Last evaluated: 2018-02-15. Review status: criteria provided, single submitter. Criteria: Invitae Variant Classification Sherloc (09022015). Collection method: clinical testing. Allele origin: germline.
Comment: A different missense substitution at this codon (p.Asp264His) has been reported in two individuals affected with seizures and intellectual disability (PMID: 22946748, 27527380). In summary, the available evidence is currently insufficient to determine the role of this variant in disease. Therefore, it has been classified as a Variant of Uncertain Significance. Algorithms developed to predict the effect of missense changes on protein structure and function (SIFT, PolyPhen-2, Align-GVGD) all suggest that this variant is likely to be disruptive, but these predictions have not been confirmed by published functional studies and their clinical significance is uncertain. This variant has not been reported in the literature in individuals with PCDH19-related disease. This variant is not present in population databases (ExAC no frequency). This sequence change replaces aspartic acid with glutamic acid at codon 264 of the PCDH19 protein (p.Asp264Glu). The aspartic acid residue is highly conserved and there is a small physicochemical difference between aspartic acid and glutamic acid.

Literature cited by the submitters: PubMed 22946748; PubMed 27527380.

NM_001184880.2(PCDH19):c.792T>G (p.Asp264Glu)

Gene: PCDH19 (protocadherin 19; minus strand). Cytogenetic location: Xq22.1.
Variant type: single nucleotide variant.
Coding change: c.792T>G on transcript NM_001184880.2 (MANE Select); coding-DNA position 792, T replaced by G.
Protein change: p.Asp264Glu; replaces aspartic acid 264 with glutamic acid.
Molecular consequence: missense variant.
Genome position (GRCh38, 1-based): chrX:100,407,806, A>C on the plus strand (T>G on the coding strand, the complement: PCDH19 is on the minus strand). VCF-style: chrX-100407806-A-C. GRCh37 (hg19) VCF-style: chrX-99662804-A-C.
Other names: c.792T>G, p.Asp264Glu (NM_001105243.2, NM_020766.3); short protein forms D264E.
Identifiers: ClinVar variation 578022 (VCV000578022.9), dbSNP rs373181586, ClinGen allele CA414008095.